The following is an entry in ClinVar:

NM_015087.5(SPART):c.696del (p.Phe232fs)

Gene: SPART (spartin; minus strand). Cytogenetic location: 13q13.3.
Variant type: Deletion.
Coding change: c.696del on transcript NM_015087.5 (MANE Select); coding-DNA position 696, one base deleted (T; older notation c.696delT).
Protein change: p.Phe232fs; shifts the reading frame from phenylalanine 232.
Molecular consequence: frameshift variant.
Genome position (GRCh38, 1-based): chr13:36,335,135, A deleted on the plus strand (T on the coding strand, the reverse complement: SPART is on the minus strand); the first of 8 consecutive A bases (chr13:36,335,135-36,335,142); deleting any one gives the same sequence. VCF-style (leftmost placement, unchanged base first): chr13-36335134-CA-C. GRCh37 (hg19) VCF-style: chr13-36909271-CA-C.
Other names: c.696del, p.Phe232fs (NM_001142294.2, NM_001142295.2, NM_001142296.2); c.696delT (NM_015087.4); c.696del (NM_015087.4); short protein forms F232fs.
Identifiers: ClinVar variation 419124 (VCV000419124.5), dbSNP rs770560051, ClinGen allele CA6949596.
Genomic context (GRCh38, chr13:36,335,134, plus strand): 5'-ACCTCACAATTCGAAGGTACCCAGGATACGAAGGTGCACTAACCTCCCCTGCAGGATTTA[CA>C]AAAAAAATCTGTACTCCATTTGGTATCAAAATCAATTCATCTGCATCCAGCCCTAAGGTC-3'

ClinVar aggregate classification (germline): Pathogenic. Review status: criteria provided, multiple submitters, no conflicts (2 of 4 stars). 2 submissions from 2 submitters: Pathogenic (2). Last evaluated 2023-06-20.

Submissions (2):

GeneDx
Classification: Pathogenic. Last evaluated: 2023-06-20. Review status: criteria provided, single submitter. Criteria: GeneDx Variant Classification Process June 2021. Collection method: clinical testing. Allele origin: germline. Affected: yes.
Comment: Frameshift variant predicted to result in protein truncation or nonsense mediated decay in a gene for which loss-of-function is a known mechanism of disease; Has not been previously published as pathogenic or benign to our knowledge; This variant is associated with the following publications: (PMID: 32661208)

Labcorp Genetics (formerly Invitae), Labcorp
Classification: Pathogenic. Last evaluated: 2020-08-14. Review status: criteria provided, single submitter. Criteria: Invitae Variant Classification Sherloc (09022015). Collection method: clinical testing. Allele origin: germline.
Comment: This sequence change creates a premature translational stop signal (p.Phe232Leufs*2) in the SPART gene. It is expected to result in an absent or disrupted protein product. This variant is present in population databases (rs778573943, ExAC 0.009%). This variant has not been reported in the literature in individuals with SPART-related conditions. ClinVar contains an entry for this variant (Variation ID: 419124). Loss-of-function variants in SPART are known to be pathogenic (PMID: 18413476, 20437587, 20504295). For these reasons, this variant has been classified as Pathogenic.

Literature cited by the submitters: PubMed 18413476 (cited by Labcorp Genetics (formerly Invitae), Labcorp); PubMed 20437587 (cited by Labcorp Genetics (formerly Invitae), Labcorp); PubMed 20504295 (cited by Labcorp Genetics (formerly Invitae), Labcorp).